The following is an entry in ClinVar:

NM_025132.4(WDR19):c.2159A>G (p.Asn720Ser)

Gene: WDR19 (WD repeat domain 19; plus strand). Cytogenetic location: 4p14.
Variant type: single nucleotide variant.
Coding change: c.2159A>G on transcript NM_025132.4 (MANE Select); coding-DNA position 2159, A replaced by G.
Protein change: p.Asn720Ser; replaces asparagine 720 with serine.
Molecular consequence: missense variant.
Genome position (GRCh38, 1-based): chr4:39,232,178, A>G. VCF-style: chr4-39232178-A-G. GRCh37 (hg19) VCF-style: chr4-39233798-A-G.
Other names: c.1679A>G, p.Asn560Ser (NM_001317924.2); short protein forms N720S, N560S.
Identifiers: ClinVar variation 861102 (VCV000861102.11), dbSNP rs772687020, ClinGen allele CA2892022.

ClinVar aggregate classification (germline): Uncertain significance. Review status: criteria provided, multiple submitters, no conflicts (2 of 4 stars). 4 submissions from 4 submitters: Uncertain significance (4). Last evaluated 2025-11-20.

Conditions:
Connective tissue disorder. Also called: Connective tissue disease. Identifiers: MedGen C0009782, MONDO:0003900.
Asphyxiating thoracic dystrophy 5 (SRTD5). Also called: SHORT-RIB THORACIC DYSPLASIA 5 WITH OR WITHOUT POLYDACTYLY; SHORT-RIB THORACIC DYSPLASIA 5 WITHOUT POLYDACTYLY. Identifiers: Orphanet 474, MedGen C3280598, MONDO:0013717, OMIM 614376.
Senior-Loken syndrome 8 (SLSN8). Identifiers: Orphanet 3156, MedGen C4225376, MONDO:0014579, OMIM 616307.
Nephronophthisis 13 (NPHP13). Identifiers: Orphanet 655, MedGen C3280612, MONDO:0013718, OMIM 614377.
Cranioectodermal dysplasia 4 (CED4). Identifiers: Orphanet 1515, MedGen C3280616, MONDO:0013719, OMIM 614378.
Spermatogenic failure 72 (SPGF72). Identifiers: MedGen C5676980, MONDO:0030809, OMIM 619867.

Allele frequency attached by ClinVar (database versions not stated): ExAC 0.00006; gnomAD exomes 0.00006; gnomAD 0.00007 and 0.00008; TOPMed 0.00007.
gnomAD v4.1: 95 of 1,613,422 alleles (0.0059%); highest among the groups gnomAD compares: Middle Eastern, 0.016%; no homozygotes.

Submissions (4):

Labcorp Genetics (formerly Invitae), Labcorp
Classification: Uncertain significance for Senior-Loken syndrome 8; Asphyxiating thoracic dystrophy 5. Last evaluated: 2025-11-20. Review status: criteria provided, single submitter. Criteria: Invitae Variant Classification Sherloc (09022015). Collection method: clinical testing. Allele origin: germline.
Comment: This sequence change replaces asparagine, which is neutral and polar, with serine, which is neutral and polar, at codon 720 of the WDR19 protein (p.Asn720Ser). This variant is present in population databases (rs772687020, gnomAD 0.009%). This variant has not been reported in the literature in individuals affected with WDR19-related conditions. ClinVar contains an entry for this variant (Variation ID: 861102). Invitae Evidence Modeling of protein sequence and biophysical properties (such as structural, functional, and spatial information, amino acid conservation, physicochemical variation, residue mobility, and thermodynamic stability) indicates that this missense variant is not expected to disrupt WDR19 protein function with a negative predictive value of 80%. In summary, the available evidence is currently insufficient to determine the role of this variant in disease. Therefore, it has been classified as a Variant of Uncertain Significance.

Blueprint Genetics
Classification: Uncertain significance. Last evaluated: 2024-11-05. Review status: criteria provided, single submitter. Criteria: ACMG Guidelines, 2015. Collection method: clinical testing. Allele origin: germline.

Fulgent Genetics
Classification: Uncertain significance for Asphyxiating thoracic dystrophy 5; Nephronophthisis 13; Cranioectodermal dysplasia 4; Senior-Loken syndrome 8; Spermatogenic failure 72. Last evaluated: 2021-09-22. Review status: criteria provided, single submitter. Criteria: ACMG Guidelines, 2015. Collection method: clinical testing. Allele origin: unknown.

Genome Diagnostics Laboratory, The Hospital for Sick Children
Classification: Uncertain significance for Connective tissue disorder. Last evaluated: 2019-12-01. Review status: criteria provided, single submitter. Criteria: ACMG Guidelines, 2015. Collection method: clinical testing. Allele origin: germline.